The following is an entry in ClinVar:

ClinVar aggregate classification (germline): Likely benign (1 of 4 stars; one submission).

Conditions:
ADCY3-related disorder. Also called: ADCY3-related condition.

gnomAD v4.1: 31 of 1,607,636 alleles (0.0019%); highest among the groups gnomAD compares: South Asian, 0.026%; 1 homozygote.

Submission:

PreventionGenetics, part of Exact Sciences
Classification: Likely benign for ADCY3-related condition. Last evaluated: 2025-04-04. Review status: criteria provided, single submitter. Criteria: ACMG Guidelines, 2015. Collection method: clinical testing. Allele origin: germline.
Comment: This variant is classified as likely benign based on ACMG/AMP sequence variant interpretation guidelines (Richards et al. 2015 PMID: 25741868, with internal and published modifications).

NM_004036.5(ADCY3):c.1956C>T (p.Leu652=)

Gene: ADCY3 (adenylate cyclase 3; minus strand). Cytogenetic location: 2p23.3.
Variant type: single nucleotide variant.
Coding change: c.1956C>T on transcript NM_004036.5 (MANE Select); coding-DNA position 1956, C replaced by T.
Protein change: p.Leu652=; no amino-acid change (leucine 652 retained).
Molecular consequence: synonymous variant.
Genome position (GRCh38, 1-based): chr2:24,834,496, G>A on the plus strand (C>T on the coding strand, the complement: ADCY3 is on the minus strand). VCF-style: chr2-24834496-G-A. GRCh37 (hg19) VCF-style: chr2-25057365-G-A.
Other names: c.1956C>T, p.Leu652= (NM_001320613.2, NM_001377129.1, NM_001377130.1 and 1 more transcripts); c.2022C>T, p.Leu674= (NM_001377128.1); c.1233C>T, p.Leu411= (NM_001377131.1).
Identifiers: ClinVar variation 4980700 (VCV004980700.1).
Genomic context (GRCh38, chr2:24,834,496, plus strand): 5'-CACCACCGCAGCCGAGGAAACTCGTGGCCCTCCCCGGCCCCTCCCTCACCAGGGGTCGAT[G>A]AGTATCTCGACCAGGGCCGTGCAGAGCAGGACGACGCAGGAGCAGCTGAAGGCAGCCCCA-3'
Protein context (NP_004027.2, residues 642-662): VLLCTALVEI[Leu652=]IDPWLMTNYV